The following is an entry in ClinVar:

NC_000023.11:g.(?_31657990)_(31820083_?)del

Gene: DMD (dystrophin; minus strand). Cytogenetic location: Xp21.1.
Variant type: Deletion.
Identifiers: ClinVar variation 417493 (VCV000417493.1).

ClinVar aggregate classification (germline): Pathogenic (1 of 4 stars; one submission).

Conditions:
Duchenne muscular dystrophy (DMD). Also called: MUSCULAR DYSTROPHY, PSEUDOHYPERTROPHIC PROGRESSIVE, DUCHENNE TYPE; Duchenne Muscular Dystrophy (DMD). Identifiers: Orphanet 98896, MedGen C0013264, MONDO:0010679, OMIM 310200.

Submission:

Labcorp Genetics (formerly Invitae), Labcorp
Classification: Pathogenic for Duchenne muscular dystrophy. Last evaluated: 2016-11-12. Review status: criteria provided, single submitter. Criteria: Invitae Variant Classification Sherloc (09022015). Collection method: clinical testing. Allele origin: germline.
Comment: This variant is a gross deletion of the genomic region encompassing exons 50-54 of the DMD gene. This creates a premature translational stop signal and is expected to result in an absent or disrupted protein product. Loss-of-function variants in DMD are known to be pathogenic. This particular variant has been reported in the literature in an individual affected with Duchenne muscular dystrophy (PMID: 17854090). For these reasons, this variant has been classified as Pathogenic.